The following is an entry in ClinVar:

NM_001005498.4(RHBDF2):c.*551G>T

Gene: RHBDF2 (rhomboid 5 homolog 2; minus strand). Cytogenetic location: 17q25.1.
Variant type: single nucleotide variant.
Coding change: c.*551G>T on transcript NM_001005498.4 (MANE Select); 551 bases downstream of the stop codon, G replaced by T.
Molecular consequence: 3 prime UTR variant. On other transcripts: non-coding transcript variant (3).
Genome position (GRCh38, 1-based): chr17:76,471,082, C>A on the plus strand (G>T on the coding strand, the complement: RHBDF2 is on the minus strand). VCF-style: chr17-76471082-C-A. GRCh37 (hg19) VCF-style: chr17-74467164-C-A.
Other names: c.*551G>T (NM_001376228.1, NM_001376229.1, NM_001376230.1 and 1 more transcripts).
Identifiers: ClinVar variation 325404 (VCV000325404.5), dbSNP rs2289801, ClinGen allele CA10651054.

ClinVar aggregate classification (germline): Benign (1 of 4 stars; one submission).

Conditions:
Palmoplantar keratoderma-esophageal carcinoma syndrome (TOC). Also called: KERATOSIS PALMARIS ET PLANTARIS WITH ESOPHAGEAL CANCER; PALMOPLANTAR KERATODERMA WITH ESOPHAGEAL CANCER; Tylosis with Esophageal Cancer. Identifiers: Orphanet 2198, MedGen C1835664, MONDO:0007856, OMIM 148500.

Allele frequency attached by ClinVar (database versions not stated): 1000 Genomes Project 30x 0.00187; 1000 Genomes Project 0.00180.

Submission:

Illumina Laboratory Services, Illumina
Classification: Benign for Palmoplantar keratoderma-esophageal carcinoma syndrome. Last evaluated: 2018-01-13. Review status: criteria provided, single submitter. Criteria: ICSL Variant Classification Criteria 13 December 2019. Collection method: clinical testing. Allele origin: germline.
Comment: This variant was observed in the ICSL laboratory as part of a predisposition screen in an ostensibly healthy population. It had not been previously curated by ICSL or reported in the Human Gene Mutation Database (HGMD: prior to June 1st, 2018), and was therefore a candidate for classification through an automated scoring system. Utilizing variant allele frequency, disease prevalence and penetrance estimates, and inheritance mode, an automated score was calculated to assess if this variant is too frequent to cause the disease. Based on the score and internal cut-off values, a variant classified as benign is not then subjected to further curation. The score for this variant resulted in a classification of benign for this disease.